The following is an entry in ClinVar:

NM_024675.4(PALB2):c.3246T>A (p.Ser1082Arg)

Gene: PALB2 (partner and localizer of BRCA2; minus strand). Cytogenetic location: 16p12.2.
Variant type: single nucleotide variant.
Coding change: c.3246T>A on transcript NM_024675.4 (MANE Select); coding-DNA position 3246, T replaced by A.
Protein change: p.Ser1082Arg; replaces serine 1082 with arginine.
Molecular consequence: missense variant.
Genome position (GRCh38, 1-based): chr16:23,607,968, A>T on the plus strand (T>A on the coding strand, the complement: PALB2 is on the minus strand). VCF-style: chr16-23607968-A-T. GRCh37 (hg19) VCF-style: chr16-23619289-A-T.
Other names: short protein forms S1082R.
Identifiers: ClinVar variation 421959 (VCV000421959.11), dbSNP rs1064795472, ClinGen allele CA16620114.

ClinVar aggregate classification (germline): Uncertain significance. Review status: criteria provided, multiple submitters, no conflicts (2 of 4 stars). 3 submissions from 3 submitters: Uncertain significance (3). Last evaluated 2025-10-28.

Conditions:
Hereditary cancer-predisposing syndrome. Also called: Hereditary neoplastic syndrome; Neoplastic Syndromes, Hereditary; Tumor predisposition; Hereditary Cancer Syndrome. Identifiers: Orphanet 140162, MedGen C0027672, MeSH D009386, MONDO:0015356.
Familial cancer of breast. Also called: Hereditary breast cancer; BREAST CANCER, FAMILIAL; hereditary breast carcinoma. Identifiers: Orphanet 227535, MedGen C0346153, MONDO:0016419, OMIM 114480. Disease mechanism: loss of function.

Allele frequency attached by ClinVar (database versions not stated): gnomAD exomes below 0.00001.
gnomAD v4.1: 1 of 1,613,982 alleles (0.000062%); highest among the groups gnomAD compares: Non-Finnish European, 0.000085%; no homozygotes.

Submissions (3):

Ambry Genetics
Classification: Uncertain significance for Hereditary cancer-predisposing syndrome. Last evaluated: 2025-10-28. Review status: criteria provided, single submitter. Criteria: Ambry Variant Classification Scheme 2023. Collection method: clinical testing. Allele origin: germline.
Comment: The p.S1082R variant (also known as c.3246T>A), located in coding exon 12 of the PALB2 gene, results from a T to A substitution at nucleotide position 3246. The serine at codon 1082 is replaced by arginine, an amino acid with dissimilar properties. This amino acid position is conserved. In addition, this alteration is predicted to be tolerated by in silico analysis. Based on the available evidence, the clinical significance of this variant remains unclear.

Labcorp Genetics (formerly Invitae), Labcorp
Classification: Uncertain significance for Familial cancer of breast. Last evaluated: 2024-05-29. Review status: criteria provided, single submitter. Criteria: Invitae Variant Classification Sherloc (09022015). Collection method: clinical testing. Allele origin: germline.
Comment: This sequence change replaces serine, which is neutral and polar, with arginine, which is basic and polar, at codon 1082 of the PALB2 protein (p.Ser1082Arg). This variant is not present in population databases (gnomAD no frequency). This variant has not been reported in the literature in individuals affected with PALB2-related conditions. ClinVar contains an entry for this variant (Variation ID: 421959). Algorithms developed to predict the effect of missense changes on protein structure and function output the following: SIFT: "Not Available"; PolyPhen-2: "Benign"; Align-GVGD: "Not Available". The arginine amino acid residue is found in multiple mammalian species, which suggests that this missense change does not adversely affect protein function. In summary, the available evidence is currently insufficient to determine the role of this variant in disease. Therefore, it has been classified as a Variant of Uncertain Significance.

GeneDx
Classification: Uncertain significance. Last evaluated: 2016-08-11. Review status: criteria provided, single submitter. Criteria: GeneDx Variant Classification (06012015). Collection method: clinical testing. Allele origin: germline. Affected: yes.
Comment: This variant is denoted PALB2 c.3246T>A at the cDNA level, p.Ser1082Arg (S1082R) at the protein level, and results in the change of a Serine to an Arginine (AGT>AGA). This variant has not, to our knowledge, been published in the literature as pathogenic or benign. PALB2 Ser1082Arg was not observed in approximately 6,500 individuals of European and African American ancestry in the NHLBI Exome Sequencing Project, suggesting it is not a common benign variant in these populations. Since Serine and Arginine differ in some properties, this is considered a semi-conservative amino acid substitution. PALB2 Ser1082Arg occurs at a position that is not conserved and is located in the WD5 repeat as well as the region of interaction with RAD51, BRCA2, and POLH (UniProt). In silico analyses predict that this variant is unlikely to alter protein structure or function. Based on currently available evidence, it is unclear whether PALB2 Ser1082Arg is a pathogenic or benign variant. We consider it to be a variant of uncertain significance.